The following is an entry in ClinVar:

ClinVar aggregate classification (germline): Uncertain significance (1 of 4 stars; one submission).

Submission:

GeneDx
Classification: Uncertain significance. Last evaluated: 2024-12-27. Review status: criteria provided, single submitter. Criteria: GeneDx Variant Classification Process June 2021. Collection method: clinical testing. Allele origin: germline. Affected: yes.
Comment: Not observed at significant frequency in large population cohorts (gnomAD); In silico analysis indicates that this variant does not alter splicing; Has not been previously published as pathogenic or benign to our knowledge

NM_022356.4(P3H1):c.228C>T (p.Arg76=)

Genes: P3H1 (prolyl 3-hydroxylase 1; minus strand), LOC129930352 (ATAC-STARR-seq lymphoblastoid silent region 767; plus strand). Cytogenetic location: 1p34.2.
Variant type: single nucleotide variant.
Coding change: c.228C>T on transcript NM_022356.4 (MANE Select); coding-DNA position 228, C replaced by T.
Protein change: p.Arg76=; no amino-acid change (arginine 76 retained).
Molecular consequence: synonymous variant.
Genome position (GRCh38, 1-based): chr1:42,766,744, G>A on the plus strand (C>T on the coding strand, the complement: P3H1 is on the minus strand). VCF-style: chr1-42766744-G-A. GRCh37 (hg19) VCF-style: chr1-43232415-G-A.
Other names: c.228C>T, p.Arg76= (NM_001146289.2, NM_001243246.2).
Identifiers: ClinVar variation 3907995 (VCV003907995.1).